The following is an entry in ClinVar:

NM_001040108.2(MLH3):c.2481A>G (p.Ser827=)

Gene: MLH3 (mutL homolog 3; minus strand). Cytogenetic location: 14q24.3.
Variant type: single nucleotide variant.
Coding change: c.2481A>G on transcript NM_001040108.2 (MANE Select); coding-DNA position 2481, A replaced by G.
Protein change: p.Ser827=; no amino-acid change (serine 827 retained).
Molecular consequence: synonymous variant.
Genome position (GRCh38, 1-based): chr14:75,047,175, T>C on the plus strand (A>G on the coding strand, the complement: MLH3 is on the minus strand). VCF-style: chr14-75047175-T-C. GRCh37 (hg19) VCF-style: chr14-75513878-T-C.
Other names: c.2481A>G, p.Ser827= (NM_014381.3).
Identifiers: ClinVar variation 1627445 (VCV001627445.11), dbSNP rs778936478, ClinGen allele CA7275696.

ClinVar aggregate classification (germline): Benign/Likely benign. Review status: criteria provided, multiple submitters, no conflicts (2 of 4 stars). 3 submissions from 3 submitters: Benign (1); Likely benign (2). Last evaluated 2026-05-05.

Conditions:
Colorectal cancer, hereditary nonpolyposis, type 7. Identifiers: Orphanet 144, MedGen C1858380, MONDO:0013725, OMIM 614385.

Allele frequency attached by ClinVar (database versions not stated): TOPMed 0.00001.

Submissions (3):

Myriad Genetics, Inc.
Classification: Benign for Colorectal cancer, hereditary nonpolyposis, type 7. Last evaluated: 2026-05-05. Review status: criteria provided, single submitter. Criteria: Myriad Autosomal Dominant, Autosomal Recessive and X-Linked Classification Criteria (2023). Collection method: clinical testing. Allele origin: unknown.
Comment: This variant is considered benign. This variant is a silent/synonymous amino acid change and it is not expected to impact splicing.

Labcorp Genetics (formerly Invitae), Labcorp
Classification: Likely benign for Colorectal cancer, hereditary nonpolyposis, type 7. Last evaluated: 2023-05-30. Review status: criteria provided, single submitter. Criteria: Invitae Variant Classification Sherloc (09022015). Collection method: clinical testing. Allele origin: germline.

Ambry Genetics
Classification: Likely benign. Last evaluated: 2019-07-25. Review status: criteria provided, single submitter. Criteria: Ambry Variant Classification Scheme 2023. Collection method: clinical testing. Allele origin: germline.